The following is an entry in ClinVar:

ClinVar aggregate classification (germline): Uncertain significance (1 of 4 stars; one submission).

Submission:

Labcorp Genetics (formerly Invitae), Labcorp
Classification: Uncertain significance. Last evaluated: 2025-09-29. Review status: criteria provided, single submitter. Criteria: Invitae Variant Classification Sherloc (09022015). Collection method: clinical testing. Allele origin: germline.
Comment: This sequence change replaces glutamic acid, which is acidic and polar, with glycine, which is neutral and non-polar, at codon 340 of the ROBO1 protein (p.Glu340Gly). This variant is not present in population databases (gnomAD no frequency). This variant has not been reported in the literature in individuals affected with ROBO1-related conditions. An algorithm developed to predict the effect of missense changes on protein structure and function (PolyPhen-2) suggests that this variant is likely to be disruptive. In summary, the available evidence is currently insufficient to determine the role of this variant in disease. Therefore, it has been classified as a Variant of Uncertain Significance.

NM_002941.4(ROBO1):c.1019A>G (p.Glu340Gly)

Gene: ROBO1 (roundabout guidance receptor 1; minus strand). Cytogenetic location: 3p12.3.
Variant type: single nucleotide variant.
Coding change: c.1019A>G on transcript NM_002941.4 (MANE Select); coding-DNA position 1019, A replaced by G.
Protein change: p.Glu340Gly; replaces glutamic acid 340 with glycine.
Molecular consequence: missense variant.
Genome position (GRCh38, 1-based): chr3:78,714,423, T>C on the plus strand (A>G on the coding strand, the complement: ROBO1 is on the minus strand). VCF-style: chr3-78714423-T-C. GRCh37 (hg19) VCF-style: chr3-78763573-T-C.
Other names: c.902A>G, p.Glu301Gly (NM_001145845.2, NM_133631.4); short protein forms E301G, E340G.
Identifiers: ClinVar variation 4728129 (VCV004728129.1).